The following is an entry in ClinVar:

ClinVar aggregate classification (germline): Likely benign. Review status: criteria provided, multiple submitters, no conflicts (2 of 4 stars). 4 submissions from 4 submitters: Likely benign (3). 1 of the submissions does not count toward it. Last evaluated 2026-01-25.

Conditions:
MEN1-related disorder. Also called: MEN1-related condition.
Multiple endocrine neoplasia, type 1 (MEN1). Also called: MEN I; WERMER SYNDROME; Endocrine adenomatosis multiple; MEN 1; MEA I. Identifiers: Orphanet 652, MedGen C0025267, MeSH D018761, MONDO:0007540, OMIM 131100.

Allele frequency attached by ClinVar (database versions not stated): ExAC 0.00002; gnomAD 0.00002; gnomAD exomes 0.00002; TOPMed 0.00003.
gnomAD v4.1: 89 of 1,613,770 alleles (0.0055%); highest among the groups gnomAD compares: Non-Finnish European, 0.0069%; no homozygotes.

Submissions (4):

Labcorp Genetics (formerly Invitae), Labcorp
Classification: Likely benign for Multiple endocrine neoplasia, type 1. Last evaluated: 2026-01-25. Review status: criteria provided, single submitter. Criteria: Invitae Variant Classification Sherloc (09022015). Collection method: clinical testing. Allele origin: germline.

Myriad Genetics, Inc.
Classification: Likely benign for Multiple endocrine neoplasia, type 1. Last evaluated: 2024-11-01. Review status: criteria provided, single submitter. Criteria: Myriad Autosomal Dominant, Autosomal Recessive and X-Linked Classification Criteria (2023). Collection method: clinical testing. Allele origin: unknown.
Comment: This variant is considered likely benign. This variant is intronic and is not expected to impact mRNA splicing.

Blueprint Genetics
Classification: Likely benign. Last evaluated: 2023-08-31. Review status: criteria provided, single submitter. Criteria: ACMG Guidelines, 2015. Collection method: clinical testing. Allele origin: germline.

PreventionGenetics, part of Exact Sciences
Classification: Likely benign for MEN1-related condition. Last evaluated: 2020-06-01. Review status: no assertion criteria provided. Collection method: clinical testing. Allele origin: germline. Not counted in ClinVar's aggregate classification.
Comment: This variant is classified as likely benign based on ACMG/AMP sequence variant interpretation guidelines (Richards et al. 2015 PMID: 25741868, with internal and published modifications).

NM_001370259.2(MEN1):c.654+9C>T

Gene: MEN1 (menin 1; minus strand). Cytogenetic location: 11q13.1.
Variant type: single nucleotide variant.
Coding change: c.654+9C>T on transcript NM_001370259.2 (MANE Select); 9 bases into the intron after coding-DNA position 654, C replaced by T.
Molecular consequence: intron variant.
Genome position (GRCh38, 1-based): chr11:64,807,882, G>A on the plus strand (C>T on the coding strand, the complement: MEN1 is on the minus strand). VCF-style: chr11-64807882-G-A. GRCh37 (hg19) VCF-style: chr11-64575354-G-A.
Other names: c.669+9C>T (NM_000244.3, NM_130804.3, NM_130803.3 and 4 more transcripts); c.654+9C>T (NM_130799.3, NM_001370260.2, NM_001370251.2 and 1 more transcripts); c.549+114C>T (NM_001370263.2, NM_001370262.2).
Identifiers: ClinVar variation 412586 (VCV000412586.15), dbSNP rs202134234, ClinGen allele CA061381.